The following is an entry in ClinVar:

ClinVar aggregate classification (germline): Uncertain significance (1 of 4 stars; one submission).

Submission:

Labcorp Genetics (formerly Invitae), Labcorp
Classification: Uncertain significance. Last evaluated: 2025-01-20. Review status: criteria provided, single submitter. Criteria: Invitae Variant Classification Sherloc (09022015). Collection method: clinical testing. Allele origin: germline.
Comment: This sequence change affects codon 152 of the TACSTD2 mRNA. It is a 'silent' change, meaning that it does not change the encoded amino acid sequence of the TACSTD2 protein. This variant is present in population databases (rs775624980, gnomAD 0.006%). This variant has not been reported in the literature in individuals affected with TACSTD2-related conditions. In summary, the available evidence is currently insufficient to determine the role of this variant in disease. Therefore, it has been classified as a Variant of Uncertain Significance.

NM_002353.3(TACSTD2):c.456C>T (p.His152=)

Gene: TACSTD2 (tumor associated calcium signal transducer 2; minus strand). Cytogenetic location: 1p32.1.
Variant type: single nucleotide variant.
Coding change: c.456C>T on transcript NM_002353.3 (MANE Select); coding-DNA position 456, C replaced by T.
Protein change: p.His152=; no amino-acid change (histidine 152 retained).
Molecular consequence: synonymous variant.
Genome position (GRCh38, 1-based): chr1:58,576,701, G>A on the plus strand (C>T on the coding strand, the complement: TACSTD2 is on the minus strand). VCF-style: chr1-58576701-G-A. GRCh37 (hg19) VCF-style: chr1-59042373-G-A.
Identifiers: ClinVar variation 3709558 (VCV003709558.2).